The following is an entry in ClinVar:

NM_000530.8(MPZ):c.50T>G (p.Leu17Arg)

Gene: MPZ (myelin protein zero; minus strand). Cytogenetic location: 1q23.3.
Variant type: single nucleotide variant.
Coding change: c.50T>G on transcript NM_000530.8 (MANE Select); coding-DNA position 50, T replaced by G.
Protein change: p.Leu17Arg; replaces leucine 17 with arginine.
Molecular consequence: missense variant.
Genome position (GRCh38, 1-based): chr1:161,309,856, A>C on the plus strand (T>G on the coding strand, the complement: MPZ is on the minus strand). VCF-style: chr1-161309856-A-C. GRCh37 (hg19) VCF-style: chr1-161279646-A-C.
Other names: c.50T>G, p.Leu17Arg (NM_001315491.2); short protein forms L17R.
Identifiers: ClinVar variation 1745349 (VCV001745349.2), dbSNP rs2526250575, ClinGen allele CA343353017.

ClinVar aggregate classification (germline): Uncertain significance (1 of 4 stars; one submission).

Conditions:
Inborn genetic diseases. Identifiers: MedGen C0950123, MeSH D030342.

Allele frequency attached by ClinVar (database versions not stated): gnomAD exomes below 0.00001.
gnomAD v4.1: 1 of 1,586,558 alleles (0.000063%); no homozygotes.

Submission:

Ambry Genetics
Classification: Uncertain significance for Inborn genetic diseases. Last evaluated: 2022-07-08. Review status: criteria provided, single submitter. Criteria: Ambry Variant Classification Scheme 2023. Collection method: clinical testing. Allele origin: germline.
Comment: The p.L17R variant (also known as c.50T>G), located in coding exon 1 of the MPZ gene, results from a T to G substitution at nucleotide position 50. The leucine at codon 17 is replaced by arginine, an amino acid with dissimilar properties. This amino acid position is conserved. In addition, this alteration is predicted to be deleterious by in silico analysis. Since supporting evidence is limited at this time, the clinical significance of this alteration remains unclear.